The following is an entry in ClinVar:

NM_005219.5(DIAPH1):c.2221C>T (p.Pro741Ser)

Gene: DIAPH1 (diaphanous related formin 1; minus strand). Cytogenetic location: 5q31.3.
Variant type: single nucleotide variant.
Coding change: c.2221C>T on transcript NM_005219.5 (MANE Select); coding-DNA position 2221, C replaced by T.
Protein change: p.Pro741Ser; replaces proline 741 with serine.
Molecular consequence: missense variant.
Genome position (GRCh38, 1-based): chr5:141,573,629, G>A on the plus strand (C>T on the coding strand, the complement: DIAPH1 is on the minus strand). VCF-style: chr5-141573629-G-A. GRCh37 (hg19) VCF-style: chr5-140953196-G-A.
Other names: c.2194C>T, p.Pro732Ser (NM_001079812.3); c.2221C>T, p.Pro741Ser (NM_001314007.2); short protein forms P732S, P741S.
Identifiers: ClinVar variation 2183372 (VCV002183372.11), dbSNP rs1163719978, ClinGen allele CA361517167.

ClinVar aggregate classification (germline): Uncertain significance. Review status: criteria provided, multiple submitters, no conflicts (2 of 4 stars). 2 submissions from 2 submitters: Uncertain significance (2). Last evaluated 2025-09-01.

Conditions:
Progressive microcephaly-seizures-cortical blindness-developmental delay syndrome. Also called: Seizures, cortical blindness, and microcephaly syndrome. Identifiers: Orphanet 477814, MedGen C5567650, MONDO:0014714, OMIM 616632.
Autosomal dominant nonsyndromic hearing loss 1. Also called: KONIGSMARK SYNDROME; DEAFNESS, AUTOSOMAL DOMINANT 1, WITH OR WITHOUT THROMBOCYTOPENIA. Identifiers: Orphanet 90635, MedGen C1852282, MONDO:0007424, OMIM 124900.

gnomAD v4.1: 8 of 1,613,778 alleles (0.0005%); highest among the groups gnomAD compares: Non-Finnish European, 0.00068%; no homozygotes.

Submissions (2):

CeGaT Center for Human Genetics Tuebingen
Classification: Uncertain significance. Last evaluated: 2025-09-01. Review status: criteria provided, single submitter. Criteria: CeGaT Center For Human Genetics Tuebingen Variant Classification Criteria Version 2. Collection method: clinical testing. Allele origin: germline. Affected: yes. Observed: 1 variant allele.
Comment: DIAPH1: PM2

Labcorp Genetics (formerly Invitae), Labcorp
Classification: Uncertain significance for Progressive microcephaly-seizures-cortical blindness-developmental delay syndrome; Autosomal dominant nonsyndromic hearing loss 1. Last evaluated: 2021-12-26. Review status: criteria provided, single submitter. Criteria: Invitae Variant Classification Sherloc (09022015). Collection method: clinical testing. Allele origin: germline.
Comment: Algorithms developed to predict the effect of missense changes on protein structure and function are either unavailable or do not agree on the potential impact of this missense change (SIFT: "Tolerated"; PolyPhen-2: "Not Available"; Align-GVGD: "Class C0"). In summary, the available evidence is currently insufficient to determine the role of this variant in disease. Therefore, it has been classified as a Variant of Uncertain Significance. This variant has not been reported in the literature in individuals affected with DIAPH1-related conditions. This variant is present in population databases (no rsID available, gnomAD 0.0009%). This sequence change replaces proline, which is neutral and non-polar, with serine, which is neutral and polar, at codon 741 of the DIAPH1 protein (p.Pro741Ser).